The following is an entry in ClinVar:

NM_002314.4(LIMK1):c.1407C>T (p.Arg469=)

Gene: LIMK1 (LIM domain kinase 1; plus strand). Cytogenetic location: 7q11.23.
Variant type: single nucleotide variant.
Coding change: c.1407C>T on transcript NM_002314.4 (MANE Select); coding-DNA position 1407, C replaced by T.
Protein change: p.Arg469=; no amino-acid change (arginine 469 retained).
Molecular consequence: synonymous variant.
Genome position (GRCh38, 1-based): chr7:74,111,995, C>T. VCF-style: chr7-74111995-C-T. GRCh37 (hg19) VCF-style: chr7-73526325-C-T.
Other names: c.1305C>T, p.Arg435= (NM_001204426.2).
Identifiers: ClinVar variation 727582 (VCV000727582.9), dbSNP rs61732372, ClinGen allele CA4293952.

ClinVar aggregate classification (germline): Benign/Likely benign. Review status: criteria provided, multiple submitters, no conflicts (2 of 4 stars). 3 submissions from 3 submitters: Benign (2); Likely benign (1). Last evaluated 2026-02-01.

Allele frequency attached by ClinVar (database versions not stated): gnomAD exomes 0.00026; ExAC 0.00034; ESP Exome Variant Server 0.00062; gnomAD 0.00116 and 0.00122; 1000 Genomes Project 0.00120; TOPMed 0.00128; 1000 Genomes Project 30x 0.00141.
gnomAD v4.1: 357 of 1,607,836 alleles (0.022%); highest among the groups gnomAD compares: African/African-American, 0.4%; 3 homozygotes.

Submissions (3):

CeGaT Center for Human Genetics Tuebingen
Classification: Likely benign. Last evaluated: 2026-02-01. Review status: criteria provided, single submitter. Criteria: CeGaT Center For Human Genetics Tuebingen Variant Classification Criteria Version 2. Collection method: clinical testing. Allele origin: germline. Affected: yes. Observed: 1 variant allele.
Comment: LIMK1: BP4, BP7

Labcorp Genetics (formerly Invitae), Labcorp
Classification: Benign. Last evaluated: 2019-12-31. Review status: criteria provided, single submitter. Criteria: Invitae Variant Classification Sherloc (09022015). Collection method: clinical testing. Allele origin: germline.

Breakthrough Genomics
Classification: Benign. Review status: criteria provided, single submitter. Criteria: ACMG Guidelines, 2015. Collection method: not provided. Allele origin: germline. Inheritance: Unknown mechanism. Affected: yes.